The following is an entry in ClinVar:

ClinVar aggregate classification (germline): Likely benign (1 of 4 stars; one submission).

Conditions:
SEMA3B-related disorder. Also called: SEMA3B-related condition.

gnomAD v4.1: 4 of 1,529,188 alleles (0.00026%); highest among the groups gnomAD compares: African/African-American, 0.0055%; no homozygotes.

Submission:

PreventionGenetics, part of Exact Sciences
Classification: Likely benign for SEMA3B-related condition. Last evaluated: 2025-01-13. Review status: criteria provided, single submitter. Criteria: ACMG Guidelines, 2015. Collection method: clinical testing. Allele origin: germline.
Comment: This variant is classified as likely benign based on ACMG/AMP sequence variant interpretation guidelines (Richards et al. 2015 PMID: 25741868, with internal and published modifications).

NM_001290060.2(SEMA3B):c.2034G>A (p.Ala678=)

Gene: SEMA3B (semaphorin 3B; plus strand). Cytogenetic location: 3p21.31.
Variant type: single nucleotide variant.
Coding change: c.2034G>A on transcript NM_001290060.2 (MANE Select); coding-DNA position 2034, G replaced by A.
Protein change: p.Ala678=; no amino-acid change (alanine 678 retained).
Molecular consequence: synonymous variant. On other transcripts: non-coding transcript variant (1).
Genome position (GRCh38, 1-based): chr3:50,276,490, G>A. VCF-style: chr3-50276490-G-A. GRCh37 (hg19) VCF-style: chr3-50313921-G-A.
Other names: c.2031G>A, p.Ala677= (NM_001005914.3, NM_001435957.1, NM_001435958.1); c.2049G>A, p.Ala683= (NM_001290061.1); c.1005G>A, p.Ala335= (NM_001290062.2, NM_001290063.2); c.2034G>A, p.Ala678= (NM_001435956.1, NM_004636.4).
Identifiers: ClinVar variation 4999220 (VCV004999220.1).